The following is an entry in ClinVar:

ClinVar aggregate classification (germline): Pathogenic (1 of 4 stars; one submission).

Conditions:
Joubert syndrome and related disorders. Identifiers: Orphanet 140874, MedGen C5679612, MONDO:0015369.

Submission:

Myriad Genetics, Inc.
Classification: Pathogenic for Joubert syndrome and related disorders. Last evaluated: 2026-03-15. Review status: criteria provided, single submitter. Criteria: Myriad Autosomal Dominant, Autosomal Recessive and X-Linked Classification Criteria (2023). Collection method: clinical testing. Allele origin: unknown.
Comment: NM_001080522.2(CC2D2A):c.181C>T(Q61*) is expected to be pathogenic in the context of CC2D2A-related disorders. This variant is predicted to lead to an abnormal or absent protein product due to the creation of a premature termination codon in CC2D2A, a gene where loss-of-function variants are known to be pathogenic. Please note: this variant was assessed in the context of healthy population screening.

NM_001378615.1(CC2D2A):c.181C>T (p.Gln61Ter)

Genes: CC2D2A (coiled-coil and C2 domain containing 2A; plus strand), FBXL5 (F-box and leucine rich repeat protein 5; minus strand). Cytogenetic location: 4p15.32.
Variant type: single nucleotide variant.
Coding change: c.181C>T on transcript NM_001378615.1 (MANE Select); coding-DNA position 181, C replaced by T.
Protein change: p.Gln61Ter; replaces glutamine 61 with a stop codon.
Molecular consequence: nonsense. On other transcripts: missense variant (1).
Genome position (GRCh38, 1-based): chr4:15,480,761, C>T. VCF-style: chr4-15480761-C-T. GRCh37 (hg19) VCF-style: chr4-15482385-C-T.
Other names: c.181C>T, p.Gln61Ter (NM_001080522.2, NM_001164720.3); c.34C>T, p.Gln12Ter (NM_001378617.1); c.287C>T, p.Pro96Leu (NM_020785.2); short protein forms P96L, Q12*, Q61*.
Identifiers: ClinVar variation 5015685 (VCV005015685.1).
Genomic context (GRCh38, chr4:15,480,761, plus strand): 5'-CAGCCACCAACTGCTGTCCCCAAGGAAATGGTGTCCGAAAAATCCCACCTTGGCAACCCC[C>T]AGGAGCCTGTGCAGGAGGAGCCCAAGACCCGCCTCCTGAGTATGACAGTCCGGAGAGGCC-3'